The following is an entry in ClinVar:

NM_004168.4(SDHA):c.1385T>C (p.Val462Ala)

Gene: SDHA (succinate dehydrogenase complex flavoprotein subunit A; plus strand). Cytogenetic location: 5p15.33.
Variant type: single nucleotide variant.
Coding change: c.1385T>C on transcript NM_004168.4 (MANE Select); coding-DNA position 1385, T replaced by C.
Protein change: p.Val462Ala; replaces valine 462 with alanine.
Molecular consequence: missense variant.
Genome position (GRCh38, 1-based): chr5:236,552, T>C. VCF-style: chr5-236552-T-C. GRCh37 (hg19) VCF-style: chr5-236667-T-C.
Other names: c.1241T>C, p.Val414Ala (NM_001294332.2); c.1385T>C, p.Val462Ala (NM_001330758.2); short protein forms V414A, V462A.
Identifiers: ClinVar variation 3951329 (VCV003951329.1).

ClinVar aggregate classification (germline): Uncertain significance (1 of 4 stars; one submission).

Conditions:
Hereditary cancer-predisposing syndrome. Also called: Tumor predisposition; Hereditary neoplastic syndrome; Hereditary Cancer Syndrome; Neoplastic Syndromes, Hereditary. Identifiers: Orphanet 140162, MedGen C0027672, MeSH D009386, MONDO:0015356.

gnomAD v4.1: 4 of 1,614,066 alleles (0.00025%); highest among the groups gnomAD compares: Non-Finnish European, 0.00034%; no homozygotes.

Submission:

Ambry Genetics
Classification: Uncertain significance for Hereditary cancer-predisposing syndrome. Last evaluated: 2025-05-11. Review status: criteria provided, single submitter. Criteria: Ambry Variant Classification Scheme 2023. Collection method: clinical testing. Allele origin: germline.
Comment: The p.V462A variant (also known as c.1385T>C), located in coding exon 10 of the SDHA gene, results from a T to C substitution at nucleotide position 1385. The valine at codon 462 is replaced by alanine, an amino acid with similar properties. This amino acid position is conserved. In addition, this alteration is predicted to be deleterious by in silico analysis. Based on the available evidence, the clinical significance of this variant remains unclear.